The following is an entry in ClinVar:

ClinVar aggregate classification (germline): Likely pathogenic (1 of 4 stars; one submission).

Conditions:
Familial isolated deficiency of vitamin E (AVED). Also called: ATAXIA, FRIEDREICH-LIKE, WITH SELECTIVE VITAMIN E DEFICIENCY; Ataxia with isolated vitamin E deficiency. Identifiers: Orphanet 96, MedGen C1848533, MONDO:0010188, OMIM 277460.

Submission:

Natera, Inc.
Classification: Likely pathogenic for Ataxia with isolated vitamin E deficiency. Last evaluated: 2024-08-19. Review status: criteria provided, single submitter. Criteria: Natera Variant Classification Schema (03/2026). Collection method: clinical testing. Allele origin: germline.
Comment: The c.139del variant in TTPA is a frameshift variant predicted to shift the reading frame beginning at codon 47 and leads to a stop codon 24 codons downstream. This variant is expected to result in nonsense mediated decay, truncation, or a dysfunctional protein product. This variant is rare in the general population with a frequency below the threshold expected for the associated phenotype(s). Given the available evidence, this variant is classified as Likely Pathogenic.

NM_000370.3(TTPA):c.139del (p.Leu47fs)

Gene: TTPA (alpha tocopherol transfer protein; minus strand). Cytogenetic location: 8q12.3.
Variant type: Deletion.
Coding change: c.139del on transcript NM_000370.3 (MANE Select); coding-DNA position 139, one base deleted (C; older notation c.139delC).
Protein change: p.Leu47fs; shifts the reading frame from leucine 47.
Molecular consequence: frameshift variant. On other transcripts: non-coding transcript variant (3).
Genome position (GRCh38, 1-based): chr8:63,085,883, G deleted on the plus strand (C on the coding strand, the reverse complement: TTPA is on the minus strand). VCF-style (leftmost placement, unchanged base first): chr8-63085882-AG-A. GRCh37 (hg19) VCF-style: chr8-63998441-AG-A.
Other names: c.139del, p.Leu47fs (NM_001413414.1, NM_001413415.1, NM_001413416.1 and 2 more transcripts); short protein forms L47fs.
Identifiers: ClinVar variation 4818272 (VCV004818272.1).
Genomic context (GRCh38, chr8:63,085,882, plus strand): 5'-CAGGCCAGGTCCAGATCGAAATCCCGGGCGCGCAGGAACCGCAGCAGGAAGGAGTCGGTG[AG>A]CGGCAGCGGCGCGAGCGGGACGCCAGCTTCCCGGGCCCGGCGCCGCAGCGCCGCCAGGCC-3'